The following is an entry in ClinVar:

NM_181332.3(NLGN4X):c.247A>C (p.Thr83Pro)

Gene: NLGN4X (neuroligin 4 X-linked; minus strand). Cytogenetic location: Xp22.31.
Variant type: single nucleotide variant.
Coding change: c.247A>C on transcript NM_181332.3 (MANE Select); coding-DNA position 247, A replaced by C.
Protein change: p.Thr83Pro; replaces threonine 83 with proline.
Molecular consequence: missense variant.
Genome position (GRCh38, 1-based): chrX:6,151,220, T>G on the plus strand (A>C on the coding strand, the complement: NLGN4X is on the minus strand). VCF-style: chrX-6151220-T-G. GRCh37 (hg19) VCF-style: chrX-6069261-T-G.
Other names: c.247A>C, p.Thr83Pro (NM_001282145.2, NM_001282146.2, NM_020742.4); short protein forms T83P.
Identifiers: ClinVar variation 1309973 (VCV001309973.2), dbSNP rs2147701921, ClinGen allele CA412015154.
Genomic context (GRCh38, chrX:6,151,220, plus strand): 5'-TATTTCGGATGCCAGTCCAGGAGGACGGGGGTTCTGGGGGCTGAAACCGCCTCTCTCCAG[T>G]GGGGGGTGAGGCATAGGGGACCCCTAAGTACTGCTCCACTGGACCCAAGATCTCATTGGG-3'
Protein context (NP_851849.1, residues 73-93): YLGVPYASPP[Thr83Pro]GERRFQPPEP

ClinVar aggregate classification (germline): Uncertain significance (1 of 4 stars; one submission).

Submission:

GeneDx
Classification: Uncertain significance. Last evaluated: 2019-10-29. Review status: criteria provided, single submitter. Criteria: GeneDx Variant Classification Process June 2021. Collection method: clinical testing. Allele origin: germline. Affected: yes.
Comment: Not observed in large population cohorts (Lek et al., 2016); In silico analysis, which includes protein predictors and evolutionary conservation, supports a deleterious effect; Has not been previously published as pathogenic or benign to our knowledge